The following is an entry in ClinVar:

ClinVar aggregate classification (germline): Conflicting classifications of pathogenicity. Review status: criteria provided, conflicting classifications (1 of 4 stars). 3 submissions from 3 submitters: Likely pathogenic (1); Uncertain significance (2). Last evaluated 2024-11-22.

Conditions:
Autosomal dominant hypocalcemia 1 (HYPOC1). Also called: HYPOCALCEMIA, FAMILIAL. Identifiers: MedGen C3715128, MONDO:0011013, OMIM 601198.
Familial hypocalciuric hypercalcemia (FHH). Also called: Familial benign hypercalcemia. Identifiers: Orphanet 405, MedGen C1809471, MONDO:0018458.
Familial hypocalciuric hypercalcemia 1. Also called: Hypercalcemia, familial benign type 1. Identifiers: Orphanet 405, Orphanet 93372, MedGen C0342637, MONDO:0007791, OMIM 145980.

Submissions (3):

Athena Diagnostics
Classification: Uncertain significance. Last evaluated: 2024-11-22. Review status: criteria provided, single submitter. Criteria: Athena Diagnostics Criteria. Collection method: clinical testing. Allele origin: unknown.

Labcorp Genetics (formerly Invitae), Labcorp
Classification: Uncertain significance for Familial hypocalciuric hypercalcemia; Autosomal dominant hypocalcemia 1. Last evaluated: 2024-10-27. Review status: criteria provided, single submitter. Criteria: Invitae Variant Classification Sherloc (09022015). Collection method: clinical testing. Allele origin: germline.
Comment: This sequence change replaces isoleucine, which is neutral and non-polar, with valine, which is neutral and non-polar, at codon 816 of the CASR protein (p.Ile816Val). This variant is not present in population databases (gnomAD no frequency). This missense change has been observed in individual(s) with clinical features of hypocalciuric hypercalcemia (PMID: 30407919, 32537548). ClinVar contains an entry for this variant (Variation ID: 1476747). An algorithm developed to predict the effect of missense changes on protein structure and function (PolyPhen-2) suggests that this variant is likely to be disruptive. In summary, the available evidence is currently insufficient to determine the role of this variant in disease. Therefore, it has been classified as a Variant of Uncertain Significance.

Victorian Clinical Genetics Services, Murdoch Childrens Research Institute
Classification: Likely pathogenic for Familial hypocalciuric hypercalcemia 1. Last evaluated: 2019-08-28. Review status: criteria provided, single submitter. Criteria: ACMG Guidelines, 2015. Collection method: clinical testing. Allele origin: germline. Affected: yes.
Comment: A heterozygous missense variant, NM_000388.3(CASR):c.2446A>G, has been identified in exon exon 7 of 7 of the CASR gene. The variant is predicted to result in a minor amino acid change from isoleucine tovaline at position 816 of the protein (NP_000379.2(CASR):p.(Ile816Val)). The isoleucine residue at this position has very high conservation (100 vertebrates, UCSC), and is located within the 7tm_3 functional domain. In silico predictions of pathogenicity for this variant are conflicting (Polyphen, SIFT, CADD, Mutation Taster). The variant is absent in the gnomAD population database. The variant has been previously described as pathogenic in two related individuals with hypocalciuric hypercalcemia (Garcia-Castano, A., et al. (2019)). A different variant in the same codon resulting in a change to threonine has also been reported in a patient with familial hypocalciuric hypercalcaemia (Hannan, F.M., et al. (2012)). Based on the information available at the time of curation, this variant has been classified as LIKELY PATHOGENIC.

Literature cited by the submitters: PubMed 30407919 (cited by Athena Diagnostics and Labcorp Genetics (formerly Invitae), Labcorp); PubMed 32537548 (cited by Athena Diagnostics and Labcorp Genetics (formerly Invitae), Labcorp); PubMed 29899992 (cited by Athena Diagnostics).

NM_000388.4(CASR):c.2446A>G (p.Ile816Val)

Gene: CASR (calcium sensing receptor; plus strand). Cytogenetic location: 3q21.1.
Variant type: single nucleotide variant.
Coding change: c.2446A>G on transcript NM_000388.4 (MANE Select); coding-DNA position 2446, A replaced by G.
Protein change: p.Ile816Val; replaces isoleucine 816 with valine.
Molecular consequence: missense variant.
Genome position (GRCh38, 1-based): chr3:122,284,400, A>G. VCF-style: chr3-122284400-A-G. GRCh37 (hg19) VCF-style: chr3-122003247-A-G.
Other names: c.2476A>G, p.Ile826Val (NM_001178065.2); short protein forms I816V, I826V.
Identifiers: ClinVar variation 1476747 (VCV001476747.11), dbSNP rs2107650518, ClinGen allele CA354159822.
Genomic context (GRCh38, chr3:122,284,400, plus strand): 5'-AAGCTGCCGGAGAACTTCAATGAAGCCAAGTTCATCACCTTCAGCATGCTCATCTTCTTC[A>G]TCGTCTGGATCTCCTTCATTCCAGCCTATGCCAGCACCTATGGCAAGTTTGTCTCTGCCG-3'
Protein context (NP_000379.3, residues 806-826): FITFSMLIFF[Ile816Val]VWISFIPAYA